The following is an entry in ClinVar:

ClinVar aggregate classification (germline): Uncertain significance. Review status: criteria provided, multiple submitters, no conflicts (2 of 4 stars). 4 submissions from 4 submitters: Uncertain significance (4). Last evaluated 2025-03-30.

Conditions:
Hereditary cancer-predisposing syndrome. Also called: Tumor predisposition; Neoplastic Syndromes, Hereditary; Hereditary neoplastic syndrome; Hereditary Cancer Syndrome. Identifiers: Orphanet 140162, MedGen C0027672, MeSH D009386, MONDO:0015356.
Cardiovascular phenotype. Identifiers: MedGen CN230736.

Allele frequency attached by ClinVar (database versions not stated): gnomAD exomes below 0.00001 and 0.00001; ExAC 0.00002.
gnomAD v4.1: 1 of 1,614,080 alleles (0.000062%); highest among the groups gnomAD compares: Non-Finnish European, 0.000085%; no homozygotes.

Submissions (4):

Labcorp Genetics (formerly Invitae), Labcorp
Classification: Uncertain significance. Last evaluated: 2025-03-30. Review status: criteria provided, single submitter. Criteria: Invitae Variant Classification Sherloc (09022015). Collection method: clinical testing. Allele origin: germline.
Comment: This sequence change replaces asparagine, which is neutral and polar, with serine, which is neutral and polar, at codon 230 of the LZTR1 protein (p.Asn230Ser). This variant is present in population databases (rs752439876, gnomAD 0.0009%). This variant has not been reported in the literature in individuals affected with LZTR1-related conditions. ClinVar contains an entry for this variant (Variation ID: 561789). Invitae Evidence Modeling of protein sequence and biophysical properties (such as structural, functional, and spatial information, amino acid conservation, physicochemical variation, residue mobility, and thermodynamic stability) indicates that this missense variant is not expected to disrupt LZTR1 protein function with a negative predictive value of 80%. In summary, the available evidence is currently insufficient to determine the role of this variant in disease. Therefore, it has been classified as a Variant of Uncertain Significance.

Ambry Genetics
Classification: Uncertain significance for Cardiovascular phenotype; Hereditary cancer-predisposing syndrome. Last evaluated: 2024-11-05. Review status: criteria provided, single submitter. Criteria: Ambry Variant Classification Scheme 2023. Collection method: clinical testing. Allele origin: germline.
Comment: The p.N230S variant (also known as c.689A>G), located in coding exon 8 of the LZTR1 gene, results from an A to G substitution at nucleotide position 689. The asparagine at codon 230 is replaced by serine, an amino acid with highly similar properties. This variant was reported in multiple individuals with features consistent with LZTR1-related Noonan syndrome (external communication). This amino acid position is highly conserved in available vertebrate species. In addition, this alteration is predicted to be tolerated by in silico analysis. Based on the available evidence, the clinical significance of this variant remains unclear.

GeneDx
Classification: Uncertain significance. Last evaluated: 2024-05-02. Review status: criteria provided, single submitter. Criteria: GeneDx Variant Classification Process June 2021. Collection method: clinical testing. Allele origin: germline. Affected: yes.
Comment: Not observed at significant frequency in large population cohorts (gnomAD); In silico analysis supports that this missense variant has a deleterious effect on protein structure/function; Has not been previously published as pathogenic or benign to our knowledge

Blueprint Genetics
Classification: Uncertain significance. Last evaluated: 2024-02-27. Review status: criteria provided, single submitter. Criteria: ACMG Guidelines, 2015. Collection method: clinical testing. Allele origin: germline.

NM_006767.4(LZTR1):c.689A>G (p.Asn230Ser)

Gene: LZTR1 (leucine zipper like post translational regulator 1; plus strand). Cytogenetic location: 22q11.21.
Variant type: single nucleotide variant.
Coding change: c.689A>G on transcript NM_006767.4 (MANE Select); coding-DNA position 689, A replaced by G.
Protein change: p.Asn230Ser; replaces asparagine 230 with serine.
Molecular consequence: missense variant.
Genome position (GRCh38, 1-based): chr22:20,990,423, A>G. VCF-style: chr22-20990423-A-G. GRCh37 (hg19) VCF-style: chr22-21344712-A-G.
Other names: short protein forms N230S.
Identifiers: ClinVar variation 561789 (VCV000561789.9), dbSNP rs752439876, ClinGen allele CA10118593.